The following is an entry in ClinVar:

NM_014629.4(ARHGEF10):c.1656G>A (p.Met552Ile)

Gene: ARHGEF10 (Rho guanine nucleotide exchange factor 10; plus strand). Cytogenetic location: 8p23.3.
Variant type: single nucleotide variant.
Coding change: c.1656G>A on transcript NM_014629.4 (MANE Select); coding-DNA position 1656, G replaced by A.
Protein change: p.Met552Ile; replaces methionine 552 with isoleucine.
Molecular consequence: missense variant.
Genome position (GRCh38, 1-based): chr8:1,903,286, G>A. VCF-style: chr8-1903286-G-A. GRCh37 (hg19) VCF-style: chr8-1851452-G-A.
Other names: c.1542G>A, p.Met514Ile (NM_001308152.2); c.1656G>A, p.Met552Ile (NM_001308153.3); short protein forms M514I, M552I, M576I.
Identifiers: ClinVar variation 2658301 (VCV002658301.24), dbSNP rs2537556757, ClinGen allele CA369960400.

ClinVar aggregate classification (germline): Uncertain significance (1 of 4 stars; one submission).

Allele frequency attached by ClinVar (database versions not stated): gnomAD exomes below 0.00001.
gnomAD v4.1: 1 of 1,614,112 alleles (0.000062%); highest among the groups gnomAD compares: Non-Finnish European, 0.000085%; no homozygotes.

Submission:

CeGaT Center for Human Genetics Tuebingen
Classification: Uncertain significance. Last evaluated: 2023-07-01. Review status: criteria provided, single submitter. Criteria: CeGaT Center For Human Genetics Tuebingen Variant Classification Criteria Version 2. Collection method: clinical testing. Allele origin: germline. Affected: yes. Observed: 1 variant allele.
Comment: ARHGEF10: PM2